The following is an entry in ClinVar:

ClinVar aggregate classification (germline): Uncertain significance (1 of 4 stars; one submission).

Submission:

GeneDx
Classification: Uncertain significance. Last evaluated: 2019-11-14. Review status: criteria provided, single submitter. Criteria: GeneDx Variant Classification Process June 2021. Collection method: clinical testing. Allele origin: germline. Affected: yes.
Comment: Not observed in large population cohorts (Lek et al., 2016); In silico analysis, which includes protein predictors and evolutionary conservation, supports a deleterious effect; Has not been previously published as pathogenic or benign to our knowledge

NM_001134673.4(NFIA):c.1516T>C (p.Trp506Arg)

Gene: NFIA (nuclear factor I A; plus strand). Cytogenetic location: 1p31.3.
Variant type: single nucleotide variant.
Coding change: c.1516T>C on transcript NM_001134673.4 (MANE Select); coding-DNA position 1516, T replaced by C.
Protein change: p.Trp506Arg; replaces tryptophan 506 with arginine.
Molecular consequence: missense variant.
Genome position (GRCh38, 1-based): chr1:61,455,306, T>C. VCF-style: chr1-61455306-T-C. GRCh37 (hg19) VCF-style: chr1-61920978-T-C.
Other names: c.1492T>C, p.Trp498Arg (NM_001145511.2); c.1651T>C, p.Trp551Arg (NM_001145512.2); c.1424T>C, p.Leu475Pro (NM_005595.5); short protein forms L475P, W498R, W506R, W551R.
Identifiers: ClinVar variation 1208147 (VCV001208147.3), dbSNP rs2100594674, ClinGen allele CA340588498.